The following is an entry in ClinVar:

ClinVar aggregate classification (germline): Uncertain significance (1 of 4 stars; one submission).

Conditions:
Inborn genetic diseases. Identifiers: MedGen C0950123, MeSH D030342.

gnomAD v4.1: 2 of 1,614,090 alleles (0.00012%); highest among the groups gnomAD compares: Non-Finnish European, 0.00017%; no homozygotes.

Submission:

Ambry Genetics
Classification: Uncertain significance for Inborn genetic diseases. Last evaluated: 2025-03-30. Review status: criteria provided, single submitter. Criteria: Ambry Variant Classification Scheme 2023. Collection method: clinical testing. Allele origin: germline.
Comment: The p.R476K variant (also known as c.1427G>A), located in coding exon 10 of the DNMT3A gene, results from a G to A substitution at nucleotide position 1427. The arginine at codon 476 is replaced by lysine, an amino acid with highly similar properties. This amino acid position is conserved. In addition, this alteration is predicted to be deleterious by in silico analysis. Based on the available evidence, the clinical significance of this variant remains unclear.

NM_022552.5(DNMT3A):c.1427G>A (p.Arg476Lys)

Gene: DNMT3A (DNA methyltransferase 3 alpha; minus strand). Cytogenetic location: 2p23.3.
Variant type: single nucleotide variant.
Coding change: c.1427G>A on transcript NM_022552.5 (MANE Select); coding-DNA position 1427, G replaced by A.
Protein change: p.Arg476Lys; replaces arginine 476 with lysine.
Molecular consequence: missense variant. On other transcripts: non-coding transcript variant (1).
Genome position (GRCh38, 1-based): chr2:25,246,162, C>T on the plus strand (G>A on the coding strand, the complement: DNMT3A is on the minus strand). VCF-style: chr2-25246162-C-T. GRCh37 (hg19) VCF-style: chr2-25469031-C-T.
Other names: c.971G>A, p.Arg324Lys (NM_001320893.1); c.758G>A, p.Arg253Lys (NM_001375819.1); c.860G>A, p.Arg287Lys (NM_153759.3); c.1427G>A, p.Arg476Lys (NM_175629.2); short protein forms R253K, R287K, R476K, R324K.
Identifiers: ClinVar variation 4013899 (VCV004013899.1).